The following is an entry in ClinVar:

NM_000037.4(ANK1):c.3341C>T (p.Pro1114Leu)

Gene: ANK1 (ankyrin 1; minus strand). Cytogenetic location: 8p11.21.
Variant type: single nucleotide variant.
Coding change: c.3341C>T on transcript NM_000037.4 (MANE Select); coding-DNA position 3341, C replaced by T.
Protein change: p.Pro1114Leu; replaces proline 1114 with leucine.
Molecular consequence: missense variant.
Genome position (GRCh38, 1-based): chr8:41,694,089, G>A on the plus strand (C>T on the coding strand, the complement: ANK1 is on the minus strand). VCF-style: chr8-41694089-G-A. GRCh37 (hg19) VCF-style: chr8-41551607-G-A.
Other names: c.3464C>T, p.Pro1155Leu (NM_001142446.2); c.3341C>T, p.Pro1114Leu (NM_020475.3, NM_020476.3, NM_020477.3); short protein forms P1114L, P1155L.
Identifiers: ClinVar variation 2406129 (VCV002406129.6), dbSNP rs749826502, ClinGen allele CA4727894.

ClinVar aggregate classification (germline): Uncertain significance. Review status: criteria provided, multiple submitters, no conflicts (2 of 4 stars). 2 submissions from 2 submitters: Uncertain significance (2). Last evaluated 2026-03-01.

Conditions:
Inborn genetic diseases. Identifiers: MedGen C0950123, MeSH D030342.

Allele frequency attached by ClinVar (database versions not stated): TOPMed 0.00001; ExAC 0.00008; gnomAD 0.00010.
gnomAD v4.1: 121 of 1,613,744 alleles (0.0075%); highest among the groups gnomAD compares: Middle Eastern, 0.016%; no homozygotes.

Submissions (2):

CeGaT Center for Human Genetics Tuebingen
Classification: Uncertain significance. Last evaluated: 2026-03-01. Review status: criteria provided, single submitter. Criteria: CeGaT Center For Human Genetics Tuebingen Variant Classification Criteria Version 2. Collection method: clinical testing. Allele origin: germline. Affected: yes. Observed: 1 variant allele.
Comment: ANK1: PM2

Ambry Genetics
Classification: Uncertain significance for Inborn genetic diseases. Last evaluated: 2021-07-16. Review status: criteria provided, single submitter. Criteria: Ambry Variant Classification Scheme 2023. Collection method: clinical testing. Allele origin: germline.